The following is an entry in ClinVar:

NM_000070.3(CAPN3):c.2173A>G (p.Lys725Glu)

Gene: CAPN3 (calpain 3; plus strand). Cytogenetic location: 15q15.1.
Variant type: single nucleotide variant.
Coding change: c.2173A>G on transcript NM_000070.3 (MANE Select); coding-DNA position 2173, A replaced by G.
Protein change: p.Lys725Glu; replaces lysine 725 with glutamic acid.
Molecular consequence: missense variant.
Genome position (GRCh38, 1-based): chr15:42,410,485, A>G. VCF-style: chr15-42410485-A-G. GRCh37 (hg19) VCF-style: chr15-42702683-A-G.
Other names: c.2155A>G, p.Lys719Glu (NM_024344.2); c.1897A>G, p.Lys633Glu (NM_173087.2); c.637A>G, p.Lys213Glu (NM_173088.2); c.178A>G, p.Lys60Glu (NM_173089.2, NM_173090.2); short protein forms K719E, K725E, K213E, K60E, K633E.
Identifiers: ClinVar variation 1410567 (VCV001410567.5), dbSNP rs759328241, ClinGen allele CA7511752.
Genomic context (GRCh38, chr15:42,410,485, plus strand): 5'-CAGACAGATGGCTCTGGAAAGCTCAACCTGCAGGAGTTCCACCACCTCTGGAACAAGATT[A>G]AGGCCTGGCAGGTGGGAAGAGAAAATGAAGCGTGGGAGTCAAGAATGGGGTTGATTTGGA-3'
Protein context (NP_000061.1, residues 715-735): QEFHHLWNKI[Lys725Glu]AWQKIFKHYD

ClinVar aggregate classification (germline): Uncertain significance (1 of 4 stars; one submission).

Conditions:
Autosomal recessive limb-girdle muscular dystrophy type 2A (LGMDR1). Also called: LEYDEN-MOEBIUS MUSCULAR DYSTROPHY; MUSCULAR DYSTROPHY, PELVOFEMORAL; Calpainopathy; Muscular dystrophy, limb-girdle, type 2A, Amish; Limb-girdle muscular dystrophy, type 2A. Identifiers: Orphanet 267, MedGen C1869123, MONDO:0009675, OMIM 253600. Disease mechanism: loss of function.

Allele frequency attached by ClinVar (database versions not stated): gnomAD exomes below 0.00001; ExAC 0.00001; gnomAD 0.00001.
gnomAD v4.1: 3 of 1,613,972 alleles (0.00019%); highest among the groups gnomAD compares: South Asian, 0.0033%; no homozygotes.

Submission:

Labcorp Genetics (formerly Invitae), Labcorp
Classification: Uncertain significance for Autosomal recessive limb-girdle muscular dystrophy type 2A. Last evaluated: 2024-09-27. Review status: criteria provided, single submitter. Criteria: Invitae Variant Classification Sherloc (09022015). Collection method: clinical testing. Allele origin: germline.
Comment: This sequence change replaces lysine, which is basic and polar, with glutamic acid, which is acidic and polar, at codon 725 of the CAPN3 protein (p.Lys725Glu). This variant is present in population databases (rs759328241, gnomAD 0.003%). This variant has not been reported in the literature in individuals affected with CAPN3-related conditions. ClinVar contains an entry for this variant (Variation ID: 1410567). Invitae Evidence Modeling of protein sequence and biophysical properties (such as structural, functional, and spatial information, amino acid conservation, physicochemical variation, residue mobility, and thermodynamic stability) indicates that this missense variant is not expected to disrupt CAPN3 protein function with a negative predictive value of 80%. In summary, the available evidence is currently insufficient to determine the role of this variant in disease. Therefore, it has been classified as a Variant of Uncertain Significance.